The following is an entry in ClinVar:

NM_000257.4(MYH7):c.2998C>T (p.Gln1000Ter)

Gene: MYH7 (myosin heavy chain 7; minus strand). Cytogenetic location: 14q11.2.
Variant type: single nucleotide variant.
Coding change: c.2998C>T on transcript NM_000257.4 (MANE Select); coding-DNA position 2998, C replaced by T.
Protein change: p.Gln1000Ter; replaces glutamine 1000 with a stop codon.
Molecular consequence: nonsense.
Genome position (GRCh38, 1-based): chr14:23,423,648, G>A on the plus strand (C>T on the coding strand, the complement: MYH7 is on the minus strand). VCF-style: chr14-23423648-G-A. GRCh37 (hg19) VCF-style: chr14-23892857-G-A.
Other names: c.2998C>T, p.Gln1000Ter (NM_001407004.1); short protein forms Q1000*.
Identifiers: ClinVar variation 2810844 (VCV002810844.3), dbSNP rs2502277990, ClinGen allele CA389046281.
Genomic context (GRCh38, chr14:23,423,648, plus strand): 5'-GGGTGTTGACCTTGTCCTCCTCGGCCTGAAGGTCATCCAGAGCCTGTTGGTGGGCCTCTT[G>A]CAGAGCTTTCTTCTCCTTGGTCAGCTTGGCAATGATCTCATCCAGCCCAGCCATCTCCTC-3'

ClinVar aggregate classification (germline): Uncertain significance (1 of 4 stars; one submission).

Conditions:
Hypertrophic cardiomyopathy. Also called: HYPERTROPHIC MYOCARDIOPATHY. Identifiers: Orphanet 217569, MedGen C0007194, MeSH D002312, MONDO:0005045, HP:0001639.

Submission:

Labcorp Genetics (formerly Invitae), Labcorp
Classification: Uncertain significance for Hypertrophic cardiomyopathy. Last evaluated: 2022-10-30. Review status: criteria provided, single submitter. Criteria: Invitae Variant Classification Sherloc (09022015). Collection method: clinical testing. Allele origin: germline.
Comment: In summary, the available evidence is currently insufficient to determine the role of this variant in disease. Therefore, it has been classified as a Variant of Uncertain Significance. This variant has not been reported in the literature in individuals affected with MYH7-related conditions. This variant is not present in population databases (gnomAD no frequency). This sequence change creates a premature translational stop signal (p.Gln1000*) in the MYH7 gene. It is expected to result in an absent or disrupted protein product. However, the current clinical and genetic evidence is not sufficient to establish whether loss-of-function variants in MYH7 cause disease.